The following is an entry in ClinVar:

NM_017617.5(NOTCH1):c.4407C>T (p.Asn1469=)

Gene: NOTCH1 (notch receptor 1; minus strand). Cytogenetic location: 9q34.3.
Variant type: single nucleotide variant.
Coding change: c.4407C>T on transcript NM_017617.5 (MANE Select); coding-DNA position 4407, C replaced by T.
Protein change: p.Asn1469=; no amino-acid change (asparagine 1469 retained).
Molecular consequence: synonymous variant.
Genome position (GRCh38, 1-based): chr9:136,505,489, G>A on the plus strand (C>T on the coding strand, the complement: NOTCH1 is on the minus strand). VCF-style: chr9-136505489-G-A. GRCh37 (hg19) VCF-style: chr9-139399941-G-A.
Other names: p.Asn1469=; c.4407C>T, p.Asn1469= (LRG_1122t1).
Identifiers: ClinVar variation 415385 (VCV000415385.85), dbSNP rs202231073, ClinGen allele CA5340623.

ClinVar aggregate classification (germline): Benign/Likely benign. Review status: criteria provided, multiple submitters, no conflicts (2 of 4 stars). 12 submissions from 11 submitters: Benign (4); Likely benign (6). 2 of the submissions do not count toward it. Last evaluated 2026-01-12.

Conditions:
Connective tissue disorder. Also called: Connective tissue disease. Identifiers: MedGen C0009782, MONDO:0003900.
Adams-Oliver syndrome 5 (AOS5). Identifiers: Orphanet 974, MedGen C4014970, MONDO:0014459, OMIM 616028.
Familial thoracic aortic aneurysm and aortic dissection (TAAD). Also called: Thoracic aortic aneurysms and dissections. Identifiers: Orphanet 91387, MedGen C4707243, MONDO:0019625.
Aortic valve disease 1 (AOVD1). Identifiers: MedGen C3887892, MONDO:0024523, OMIM 109730.

Allele frequency attached by ClinVar (database versions not stated): ESP Exome Variant Server 0.00008; 1000 Genomes Project 0.00020; gnomAD exomes 0.00020 and 0.00037; TOPMed 0.00022; gnomAD 0.00026 and 0.00028; ExAC 0.00040; 1000 Genomes Project 30x 0.00047.
gnomAD v4.1: 349 of 1,612,864 alleles (0.022%); highest among the groups gnomAD compares: Middle Eastern, 0.3%; 2 homozygotes.

Submissions (12):

Labcorp Genetics (formerly Invitae), Labcorp
Classification: Benign for Adams-Oliver syndrome 5. Last evaluated: 2026-01-12. Review status: criteria provided, single submitter. Criteria: Invitae Variant Classification Sherloc (09022015). Collection method: clinical testing. Allele origin: germline.

CeGaT Center for Human Genetics Tuebingen
Classification: Likely benign. Last evaluated: 2025-05-01. Review status: criteria provided, single submitter. Criteria: CeGaT Center For Human Genetics Tuebingen Variant Classification Criteria Version 2. Collection method: clinical testing. Allele origin: germline. Affected: yes. Observed: 4 variant alleles.
Comment: NOTCH1: BP4, BP7

Mayo Clinic Laboratories, Mayo Clinic
Classification: Likely benign. Last evaluated: 2025-02-03. Review status: criteria provided, single submitter. Criteria: ACMG Guidelines, 2015. Collection method: clinical testing. Allele origin: germline. Observed: 2 variant alleles.
Comment: BS1, BP4, BP7

Blueprint Genetics
Classification: Likely benign. Last evaluated: 2024-10-07. Review status: criteria provided, single submitter. Criteria: ACMG Guidelines, 2015. Collection method: clinical testing. Allele origin: germline.

Women's Health and Genetics/Laboratory Corporation of America, LabCorp
Classification: Benign. Last evaluated: 2024-08-11. Review status: criteria provided, single submitter. Criteria: LabCorp Variant Classification Summary - May 2015. Collection method: clinical testing. Allele origin: germline.

Genome-Nilou Lab
Classification: Benign for Adams-Oliver syndrome 5. Last evaluated: 2022-03-15. Review status: criteria provided, single submitter. Criteria: ACMG Guidelines, 2015. Collection method: clinical testing. Allele origin: germline. Affected: no.

Genome-Nilou Lab
Classification: Benign for Aortic valve disease 1. Last evaluated: 2022-03-15. Review status: criteria provided, single submitter. Criteria: ACMG Guidelines, 2015. Collection method: clinical testing. Allele origin: germline. Affected: no.

GeneDx
Classification: Likely benign. Last evaluated: 2021-10-05. Review status: criteria provided, single submitter. Criteria: GeneDx Variant Classification Process June 2021. Collection method: clinical testing. Allele origin: germline. Affected: yes.

Ambry Genetics
Classification: Likely benign for Familial thoracic aortic aneurysm and aortic dissection. Last evaluated: 2017-07-27. Review status: criteria provided, single submitter. Criteria: Ambry Variant Classification Scheme 2023. Collection method: clinical testing. Allele origin: germline.

Center for Human Genetics, Inc
Classification: Likely benign for Connective tissue disorder. Last evaluated: 2016-11-01. Review status: criteria provided, single submitter. Criteria: ACMG Guidelines, 2015. Collection method: clinical testing. Allele origin: germline. Affected: yes.

Clinical Genetics DNA and cytogenetics Diagnostics Lab, Erasmus MC, Erasmus Medical Center
Classification: Likely benign. Review status: no assertion criteria provided. Collection method: clinical testing. Allele origin: germline. Affected: yes. Study: VKGL Data-share Consensus. Not counted in ClinVar's aggregate classification.

Genome Diagnostics Laboratory, University Medical Center Utrecht
Classification: Likely benign. Review status: no assertion criteria provided. Collection method: clinical testing. Allele origin: germline. Affected: yes. Study: VKGL Data-share Consensus. Not counted in ClinVar's aggregate classification.